The following is an entry in ClinVar:

ClinVar aggregate classification (germline): Uncertain significance. Review status: criteria provided, multiple submitters, no conflicts (2 of 4 stars). 2 submissions from 2 submitters: Uncertain significance (2). Last evaluated 2025-09-26.

Conditions:
Inborn genetic diseases. Identifiers: MedGen C0950123, MeSH D030342.

Allele frequency attached by ClinVar (database versions not stated): gnomAD 0.00001; TOPMed 0.00001.
gnomAD v4.1: 3 of 1,607,216 alleles (0.00019%); highest among the groups gnomAD compares: African/African-American, 0.0027%; no homozygotes.

Submissions (2):

Ambry Genetics
Classification: Uncertain significance for Inborn genetic diseases. Last evaluated: 2025-09-26. Review status: criteria provided, single submitter. Criteria: Ambry Variant Classification Scheme 2023. Collection method: clinical testing. Allele origin: germline.

Labcorp Genetics (formerly Invitae), Labcorp
Classification: Uncertain significance. Last evaluated: 2023-04-09. Review status: criteria provided, single submitter. Criteria: Invitae Variant Classification Sherloc (09022015). Collection method: clinical testing. Allele origin: germline.
Comment: In summary, the available evidence is currently insufficient to determine the role of this variant in disease. Therefore, it has been classified as a Variant of Uncertain Significance. An algorithm developed to predict the effect of missense changes on protein structure and function (PolyPhen-2) suggests that this variant¬† is likely to be tolerated. This variant has not been reported in the literature in individuals affected with PIGB-related conditions. This variant is not present in population databases (gnomAD no frequency). This sequence change replaces serine, which is neutral and polar, with isoleucine, which is neutral and non-polar, at codon 6 of the PIGB protein (p.Ser6Ile).

NM_004855.5(PIGB):c.17G>T (p.Ser6Ile)

Genes: PIGB (phosphatidylinositol glycan anchor biosynthesis class B; plus strand), LOC130057104 (ATAC-STARR-seq lymphoblastoid active region 9443; plus strand). Cytogenetic location: 15q21.3.
Variant type: single nucleotide variant.
Coding change: c.17G>T on transcript NM_004855.5 (MANE Select); coding-DNA position 17, G replaced by T.
Protein change: p.Ser6Ile; replaces serine 6 with isoleucine.
Molecular consequence: missense variant.
Genome position (GRCh38, 1-based): chr15:55,319,267, G>T. VCF-style: chr15-55319267-G-T. GRCh37 (hg19) VCF-style: chr15-55611465-G-T.
Other names: c.17G>T (NM_004855.4); short protein forms S6I.
Identifiers: ClinVar variation 2853806 (VCV002853806.2), dbSNP rs1053532065, ClinGen allele CA392540822.